The following is an entry in ClinVar:

ClinVar aggregate classification (germline): Pathogenic. Review status: criteria provided, multiple submitters, no conflicts (2 of 4 stars). 4 submissions from 4 submitters: Pathogenic (4). Last evaluated 2026-04-20.

Conditions:
Polycystic kidney disease, adult type (PKD1). Also called: POLYCYSTIC KIDNEY DISEASE, ADULT, TYPE I; Polycystic Kidney Disease 1, Autosomal Dominant; Polycystic kidney disease 1; Polycystic kidney disease 1, severe; Polycystic Kidney, Autosomal Dominant; POLYCYSTIC KIDNEY DISEASE 1 WITH OR WITHOUT POLYCYSTIC LIVER DISEASE. Identifiers: MedGen C3149841, MONDO:0008263, OMIM 173900.

Submissions (4):

Women's Health and Genetics/Laboratory Corporation of America, LabCorp
Classification: Pathogenic for Polycystic kidney disease, adult type. Last evaluated: 2026-04-20. Review status: criteria provided, single submitter. Criteria: LabCorp Variant Classification Summary - May 2015. Collection method: clinical testing. Allele origin: germline.
Comment: Variant summary: PKD1 c.566C>G (p.Ser189X) results in a premature termination codon, predicted to cause a truncation of the encoded protein or absence of the protein due to nonsense mediated decay, which are commonly known mechanisms for disease. The variant was absent in 135594 control chromosomes (gnomAD). c.566C>G has been observed in an individual(s) affected with Polycystic Kidney Disease 1 (e.g., Domingo-Gallego_2022). The following publication has been ascertained in the context of this evaluation (PMID: 33532864). ClinVar contains an entry for this variant (Variation ID: 974497). Based on the evidence outlined above, the variant was classified as pathogenic.

Fulgent Genetics
Classification: Pathogenic for Polycystic kidney disease, adult type. Last evaluated: 2024-01-08. Review status: criteria provided, single submitter. Criteria: ACMG Guidelines, 2015. Collection method: clinical testing. Allele origin: germline.

Department of Pathology and Laboratory Medicine, Sinai Health System
Classification: Pathogenic for Polycystic kidney disease, adult type. Last evaluated: 2023-01-05. Review status: criteria provided, single submitter. Criteria: ACMG Guidelines, 2015. Collection method: clinical testing. Allele origin: germline. Affected: yes.

Molecular Biology Laboratory, Fundació Puigvert
Classification: Pathogenic for Polycystic kidney disease, adult type. Last evaluated: 2020-02-01. Review status: criteria provided, single submitter. Criteria: ACMG Guidelines, 2015. Collection method: research. Allele origin: paternal. Affected: yes. Study: KidneyPanel_2020.

Literature cited by the submitters: PubMed 33532864 (cited by Women's Health and Genetics/Laboratory Corporation of America, LabCorp and Molecular Biology Laboratory, Fundació Puigvert).

NM_001009944.3(PKD1):c.566C>G (p.Ser189Ter)

Gene: PKD1 (polycystin 1, transient receptor potential channel interacting; minus strand). Cytogenetic location: 16p13.3.
Variant type: single nucleotide variant.
Coding change: c.566C>G on transcript NM_001009944.3 (MANE Select); coding-DNA position 566, C replaced by G.
Protein change: p.Ser189Ter; replaces serine 189 with a stop codon.
Molecular consequence: nonsense.
Genome position (GRCh38, 1-based): chr16:2,118,426, G>C on the plus strand (C>G on the coding strand, the complement: PKD1 is on the minus strand). VCF-style: chr16-2118426-G-C. GRCh37 (hg19) VCF-style: chr16-2168427-G-C.
Other names: c.566C>G, p.Ser189Ter (NM_000296.4); c.566C>G (NM_001009944.2); short protein forms S189*.
Identifiers: ClinVar variation 974497 (VCV000974497.5), dbSNP rs1304952446, ClinGen allele CA394395000.
Genomic context (GRCh38, chr16:2,118,426, plus strand): 5'-GCCTCTGGCTGAAGCAGGCCTTCGTGGGCAGCTGAAAAGGACACTGCTGCCACGGTGCCT[G>C]AGCTGTTGTCAGGGAGGCAGGCGACATACTCCTCACCTAGAAGAGGCAGCCACTGGACCC-3'